The following is an entry in ClinVar:

NM_000062.3(SERPING1):c.1030-1198G>T

Gene: SERPING1 (serpin family G member 1; plus strand). Cytogenetic location: 11q12.1.
Variant type: single nucleotide variant.
Coding change: c.1030-1198G>T on transcript NM_000062.3 (MANE Select); 1198 bases into the intron before coding-DNA position 1030, G replaced by T.
Molecular consequence: intron variant.
Genome position (GRCh38, 1-based): chr11:57,610,519, G>T. VCF-style: chr11-57610519-G-T. GRCh37 (hg19) VCF-style: chr11-57377992-G-T.
Other names: c.1030-1198G>T (NM_001032295.2).
Identifiers: ClinVar variation 983233 (VCV000983233.2), dbSNP rs2508443, ClinGen allele CA13484493.

ClinVar aggregate classification (germline): Benign (1 of 4 stars; one submission).

Conditions:
Hereditary angioedema type 1 (HAE1). Identifiers: Orphanet 100050, Orphanet 100051, Orphanet 91378, MedGen C2717906, MONDO:0015053, OMIM 106100.

Allele frequency attached by ClinVar (database versions not stated): 1000 Genomes Project 0.26857; 1000 Genomes Project 30x 0.26905; TOPMed 0.32226.
gnomAD v4.1: 50,612 of 152,074 alleles (33%); highest among the groups gnomAD compares: Non-Finnish European, 41%; 9,011 homozygotes.

Submission:

CeMIA
Classification: Benign for Hereditary angioedema type 1. Review status: criteria provided, single submitter. Criteria: ACMG Guidelines, 2015. Collection method: clinical testing. Allele origin: germline. Affected: yes.
Comment: This variant is considered likely benign or benign based on one or more of the following criteria: allele frequency is >5% in Exome Sequencing Project, 1000 Genomes Project, or Exome Aggregation Consortium (BA1), allele frequency is greater than expected for disorder (BS1), it is observed in a healthy adult individual (BS2), it is predicted to be benign by multiple in silico algorithms (BP4), it is found in a case with an alternate molecular basis for the disease (BP5) and/or reputable source recently reports variant as benign (BP6).

Literature cited by the submitters: PubMed 31959500.